The following is an entry in ClinVar:

NM_000466.3(PEX1):c.2254_2255del (p.Val752fs)

Gene: PEX1 (peroxisomal biogenesis factor 1; minus strand). Cytogenetic location: 7q21.2.
Variant type: Deletion.
Coding change: c.2254_2255del on transcript NM_000466.3 (MANE Select); coding-DNA positions 2254 to 2255, 2 bases deleted (GT; older notation c.2254_2255delGT).
Protein change: p.Val752fs; shifts the reading frame from valine 752.
Molecular consequence: frameshift variant.
Genome position (GRCh38, 1-based): chr7:92,502,051-92,502,052, AC deleted on the plus strand (GT on the coding strand, the reverse complement: PEX1 is on the minus strand); deleting any 2 consecutive bases within chr7:92,502,051-92,502,053 gives the same sequence; the c. name uses the placement nearest the transcript's 3' end. VCF-style (leftmost placement, unchanged base first): chr7-92502050-TAC-T. GRCh37 (hg19) VCF-style: chr7-92131364-TAC-T.
Other names: c.2083_2084del, p.Val695fs (NM_001282677.2); c.1630_1631del, p.Val544fs (NM_001282678.2); short protein forms V544fs, V695fs, V752fs.
Identifiers: ClinVar variation 5012788 (VCV005012788.1).

ClinVar aggregate classification (germline): Pathogenic (1 of 4 stars; one submission).

Conditions:
Peroxisome biogenesis disorder. Identifiers: Orphanet 79189, MedGen C1832200, MONDO:0019234. Disease mechanism: loss of function.

Submission:

Myriad Genetics, Inc.
Classification: Pathogenic for Peroxisome biogenesis disorder. Last evaluated: 2024-03-01. Review status: criteria provided, single submitter. Criteria: Myriad Autosomal Dominant, Autosomal Recessive and X-Linked Classification Criteria (2023). Collection method: clinical testing. Allele origin: unknown.
Comment: NM_000466.2(PEX1):c.2254_2255delGT(V752Nfs*4) is expected to be pathogenic in the context of peroxisome biogenesis disorder type 1. This variant is predicted to lead to an abnormal or absent protein product due to the creation of a premature termination codon in PEX1, a gene where loss-of-function variants are known to be pathogenic. Please note: this variant was assessed in the context of healthy population screening.